The following is an entry in ClinVar:

NM_181486.4(TBX5):c.985_987delinsAG (p.Glu329fs)

Gene: TBX5 (T-box transcription factor 5; minus strand). Cytogenetic location: 12q24.21.
Variant type: Indel.
Coding change: c.985_987delinsAG on transcript NM_181486.4 (MANE Select); coding-DNA positions 985 to 987, GAA replaced by AG.
Protein change: p.Glu329fs; shifts the reading frame from glutamic acid 329.
Molecular consequence: frameshift variant.
Genome position (GRCh38, 1-based): chr12:114,356,102-114,356,104, TTC replaced by CT on the plus strand (GAA replaced by AG on the coding strand, the reverse complement: TBX5 is on the minus strand). VCF-style: chr12-114356102-TTC-CT. GRCh37 (hg19) VCF-style: chr12-114793907-TTC-CT.
Other names: c.985_987delinsAG, p.Glu329fs (NM_000192.3); c.835_837delinsAG, p.Glu279fs (NM_080717.4); short protein forms E279fs, E329fs.
Identifiers: ClinVar variation 495732 (VCV000495732.1), dbSNP rs1555223294, ClinGen allele CA658683793.

ClinVar aggregate classification (germline): Likely pathogenic (1 of 4 stars; one submission).

Conditions:
Congenital heart disease (variable). Identifiers: MedGen C3805326.

Submission:

Women's Health and Genetics/Laboratory Corporation of America, LabCorp
Classification: Likely pathogenic for Congenital heart disease (variable). Last evaluated: 2016-08-02. Review status: criteria provided, single submitter. Criteria: LabCorp Variant Classification Summary - May 2015. Collection method: clinical testing. Allele origin: germline.
Comment: Variant summary: The TBX5 c.985_987delinsAG (p.Glu329Argfs) variant alters the amino acid sequence beginning at codon 329 of 519, leading to a premature stop codon 65 amino acids downstream of codon 329. Since the variant is located in the last exon (exon 9) of the gene, it is predicted to cause a truncated, but not absent protein. While this particular variant has not been reported in the literature or databases, other truncating variants downstream of Glu329 have been reported to be pathogenic (HGMD and ClinVar: p.Y407*, p.Q456*, p.Q376*) . This variant was absent in 121028 control chromosomes. Taken together, this variant is classified as likely pathogenic until more evidence becomes available.